The following is an entry in ClinVar:

ClinVar aggregate classification (germline): Pathogenic. Review status: criteria provided, single submitter (1 of 4 stars). 2 submissions from 2 submitters: Pathogenic (1). 1 of the submissions does not count toward it. Last evaluated 2022-04-27.

Conditions:
DE SANCTIS-CACCHIONE SYNDROME. Identifiers: MedGen C0265201, MONDO:0010217, OMIM 278800.
Cockayne syndrome type 2 (CSB). Also called: Cockayne Syndrome, Type II; COCKAYNE SYNDROME B. Identifiers: Orphanet 191, Orphanet 90322, MedGen C0751038, MONDO:0019570, OMIM 133540.
Cerebrooculofacioskeletal syndrome 1 (COFS1). Also called: Cerebro-oculo-facio-skeletal syndrome 1. Identifiers: MedGen C0220722, MONDO:0008955, OMIM 214150.

Submissions (2):

Labcorp Genetics (formerly Invitae), Labcorp
Classification: Pathogenic. Last evaluated: 2022-04-27. Review status: criteria provided, single submitter. Criteria: Invitae Variant Classification Sherloc (09022015). Collection method: clinical testing. Allele origin: germline.
Comment: ClinVar contains an entry for this variant (Variation ID: 557934). This sequence change creates a premature translational stop signal (p.Ile1320Phefs*39) in the ERCC6 gene. While this is not anticipated to result in nonsense mediated decay, it is expected to disrupt the last 174 amino acid(s) of the ERCC6 protein. This variant is not present in population databases (gnomAD no frequency). This variant has not been reported in the literature in individuals affected with ERCC6-related conditions. This variant disrupts a region of the ERCC6 protein in which other variant(s) (p.Gly1372Glufs*22) have been determined to be pathogenic (PMID: 27004399; Invitae). This suggests that this is a clinically significant region of the protein, and that variants that disrupt it are likely to be disease-causing. For these reasons, this variant has been classified as Pathogenic.

Counsyl
Classification: Likely pathogenic for Cockayne syndrome type 2; Cerebrooculofacioskeletal syndrome 1; DE SANCTIS-CACCHIONE SYNDROME. Last evaluated: 2018-04-18. Review status: no assertion criteria provided. Collection method: clinical testing. Allele origin: unknown. Not counted in ClinVar's aggregate classification.

Literature cited by the submitters: PubMed 27004399 (cited by Labcorp Genetics (formerly Invitae), Labcorp); PubMed 26620705 (cited by Counsyl).

NM_000124.4(ERCC6):c.3957del (p.Ile1320fs)

Gene: ERCC6 (ERCC excision repair 6, chromatin remodeling factor; minus strand). Cytogenetic location: 10q11.23.
Variant type: Deletion.
Coding change: c.3957del on transcript NM_000124.4 (MANE Select); coding-DNA position 3957, one base deleted (G; older notation c.3957delG).
Protein change: p.Ile1320fs; shifts the reading frame from isoleucine 1320.
Molecular consequence: frameshift variant.
Genome position (GRCh38, 1-based): chr10:49,461,378, C deleted on the plus strand (G on the coding strand, the reverse complement: ERCC6 is on the minus strand); the first of 5 consecutive C bases (chr10:49,461,378-49,461,382); deleting any one gives the same sequence. VCF-style (leftmost placement, unchanged base first): chr10-49461377-TC-T. GRCh37 (hg19) VCF-style: chr10-50669423-TC-T.
Other names: c.3957del, p.Ile1320fs (NM_001346440.2); short protein forms I1320fs.
Identifiers: ClinVar variation 557934 (VCV000557934.6), dbSNP rs1554874073, ClinGen allele CA658822986.